The following is an entry in ClinVar:

NM_018249.6(CDK5RAP2):c.4258C>T (p.Arg1420Trp)

Gene: CDK5RAP2 (CDK5 regulatory subunit associated protein 2; minus strand). Cytogenetic location: 9q33.2.
Variant type: single nucleotide variant.
Coding change: c.4258C>T on transcript NM_018249.6 (MANE Select); coding-DNA position 4258, C replaced by T.
Protein change: p.Arg1420Trp; replaces arginine 1420 with tryptophan.
Molecular consequence: missense variant. On other transcripts: non-coding transcript variant (5).
Genome position (GRCh38, 1-based): chr9:120,415,079, G>A on the plus strand (C>T on the coding strand, the complement: CDK5RAP2 is on the minus strand). VCF-style: chr9-120415079-G-A. GRCh37 (hg19) VCF-style: chr9-123177357-G-A.
Other names: c.4258C>T (NM_018249.4); c.4258C>T, p.Arg1420Trp (NM_001011649.3); c.3568C>T, p.Arg1190Trp (NM_001272039.2); c.4159C>T, p.Arg1387Trp (NM_001410992.1); c.4162C>T, p.Arg1388Trp (NM_001410993.1); c.4255C>T, p.Arg1419Trp (NM_001410994.1); short protein forms R1387W, R1388W, R1419W, R1190W, R1420W.
Identifiers: ClinVar variation 3715188 (VCV003715188.3).

ClinVar aggregate classification (germline): Uncertain significance. Review status: criteria provided, multiple submitters, no conflicts (2 of 4 stars). 2 submissions from 2 submitters: Uncertain significance (2). Last evaluated 2025-01-29.

Conditions:
Inborn genetic diseases. Identifiers: MedGen C0950123, MeSH D030342.

gnomAD v4.1: 94 of 1,614,076 alleles (0.0058%); highest among the groups gnomAD compares: Non-Finnish European, 0.0073%; no homozygotes.

Submissions (2):

Ambry Genetics
Classification: Uncertain significance for Inborn genetic diseases. Last evaluated: 2025-01-29. Review status: criteria provided, single submitter. Criteria: Ambry Variant Classification Scheme 2023. Collection method: clinical testing. Allele origin: germline.

Labcorp Genetics (formerly Invitae), Labcorp
Classification: Uncertain significance. Last evaluated: 2025-01-27. Review status: criteria provided, single submitter. Criteria: Invitae Variant Classification Sherloc (09022015). Collection method: clinical testing. Allele origin: germline.
Comment: This sequence change replaces arginine, which is basic and polar, with tryptophan, which is neutral and slightly polar, at codon 1420 of the CDK5RAP2 protein (p.Arg1420Trp). This variant is present in population databases (rs143596126, gnomAD 0.01%). This variant has not been reported in the literature in individuals affected with CDK5RAP2-related conditions. An algorithm developed to predict the effect of missense changes on protein structure and function (PolyPhen-2) suggests that this variant is likely to be disruptive. In summary, the available evidence is currently insufficient to determine the role of this variant in disease. Therefore, it has been classified as a Variant of Uncertain Significance.